The following is an entry in ClinVar:

Single allele

Genes: ADAMTS6 (ADAM metallopeptidase with thrombospondin type 1 motif 6; minus strand), CD180 (CD180 molecule; minus strand), CENPK (centromere protein K; minus strand), CWC27 (CWC27 spliceosome associated cyclophilin; plus strand), ERBIN (erbb2 interacting protein; plus strand) and 13 more. Cytogenetic location: 5q12.1-13.1.
Variant type: Deletion.
Identifiers: ClinVar variation 2671624 (VCV002671624.1).

ClinVar aggregate classification (germline): Uncertain significance (1 of 4 stars; one submission).

Submission:

Illumina Laboratory Services, Illumina
Classification: Uncertain significance. Last evaluated: 2023-08-24. Review status: criteria provided, single submitter. Criteria: ICSL CNVClassificationCriteria Aug2020. Collection method: clinical testing. Allele origin: unknown.
Comment: This CNV is a 5.1 Mb deletion of q12.1-q13.1 on chromosome 5, (seq[GRCh37]del(5)(q12.1q13.1);NC_000005.9:g.62757224_67825254del). This CNV encompasses 19 protein-coding genes, with breakpoints in intergenic regions. The CNV includes the PIK3R1 gene which is associated with SHORT syndrome and immunodeficiency 36, both of which follow an autosomal dominant pattern of inheritance (MIM #269880; MIM #616005). Several genes in this region are predicted to be intolerant to loss-of-function variation but to date do not have evidence for association with disease. The CWC27 gene is associated with retinitis pigmentosa with or without skeletal anomalies which follows an autosomal recessive pattern of inheritance (MIM #250410); however, no other candidate variants were identified in this gene. Similar deletions of this region have been identified in several patients with phenotypes including syndromic intellectual disability, macrocephaly, epilepsy, and restricted growth (PMID 19344873; 23262338; 26138022; 28611550). This CNV has not been reported in controls. Based on the available evidence, this CNV is classified as a variant of uncertain significance.